The following is an entry in ClinVar:

NM_004859.4(CLTC):c.1761G>A (p.Met587Ile)

Gene: CLTC (clathrin heavy chain; plus strand). Cytogenetic location: 17q23.1.
Variant type: single nucleotide variant.
Coding change: c.1761G>A on transcript NM_004859.4 (MANE Select); coding-DNA position 1761, G replaced by A.
Protein change: p.Met587Ile; replaces methionine 587 with isoleucine.
Molecular consequence: missense variant.
Genome position (GRCh38, 1-based): chr17:59,666,219, G>A. VCF-style: chr17-59666219-G-A. GRCh37 (hg19) VCF-style: chr17-57743580-G-A.
Other names: c.1773G>A, p.Met591Ile (NM_001288653.2); short protein forms M587I, M591I.
Identifiers: ClinVar variation 985718 (VCV000985718.6), dbSNP rs2032727657, ClinGen allele CA400427630.
Genomic context (GRCh38, chr17:59,666,219, plus strand): 5'-TGATGCTCTGAAGAATAATCGCCCATCTGAAGGTCCTTTACAGACGCGGTTACTTGAGAT[G>A]AACCTTATGCATGCGCCTCAAGTATGTGTTTTAATGCTTTTTAGGCATGTTTCCAACATT-3'
Protein context (NP_004850.1, residues 577-597): EGPLQTRLLE[Met587Ile]NLMHAPQVAD

ClinVar aggregate classification (germline): Uncertain significance (1 of 4 stars; one submission).

Conditions:
Inborn genetic diseases. Identifiers: MedGen C0950123, MeSH D030342.

Submission:

Ambry Genetics
Classification: Uncertain significance for Inborn genetic diseases. Last evaluated: 2023-05-30. Review status: criteria provided, single submitter. Criteria: Ambry Variant Classification Scheme 2023. Collection method: clinical testing. Allele origin: germline.
Comment: The c.1761G>A (p.M587I) alteration is located in exon 11 (coding exon 11) of the CLTC gene. This alteration results from a G to A substitution at nucleotide position 1761, causing the methionine (M) at amino acid position 587 to be replaced by an isoleucine (I). This variant was not reported in population-based cohorts in the Genome Aggregation Database (gnomAD). This amino acid position is highly conserved in available vertebrate species. This missense alteration is located in a region that has a low rate of benign missense variation (Lek, 2016; Firth, 2009). The in silico prediction for this alteration is inconclusive. Based on insufficient or conflicting evidence, the clinical significance of this alteration remains unclear.